The following is an entry in ClinVar:

ClinVar aggregate classification (germline): Pathogenic (1 of 4 stars; one submission).

Conditions:
Citrullinemia type I (CTNL1). Also called: ASS DEFICIENCY; argininosuccinate synthetase deficiency. Identifiers: Orphanet 247525, MedGen C4721769, MONDO:0008988, OMIM 215700.

Submission:

Myriad Genetics, Inc.
Classification: Pathogenic for Citrullinemia type I. Last evaluated: 2024-06-10. Review status: criteria provided, single submitter. Criteria: Myriad Autosomal Dominant, Autosomal Recessive and X-Linked Classification Criteria (2023). Collection method: clinical testing. Allele origin: unknown.
Comment: NM_000050.4(ASS1):c.885delA(D296Tfs*20) is expected to be pathogenic in the context of citrullinemia type 1. This variant is predicted to lead to an abnormal or absent protein product due to the creation of a premature termination codon in ASS1, a gene where loss-of-function variants are known to be pathogenic. Please note: this variant was assessed in the context of healthy population screening.

NM_054012.4(ASS1):c.885del (p.Asp296fs)

Gene: ASS1 (argininosuccinate synthase 1; plus strand). Cytogenetic location: 9q34.11.
Variant type: Deletion.
Coding change: c.885del on transcript NM_054012.4 (MANE Select); coding-DNA position 885, one base deleted (A; older notation c.885delA).
Protein change: p.Asp296fs; shifts the reading frame from aspartic acid 296.
Molecular consequence: frameshift variant.
Genome position (GRCh38, 1-based): chr9:130,489,379, A deleted. VCF-style (leftmost placement, unchanged base first): chr9-130489378-TA-T. GRCh37 (hg19) VCF-style: chr9-133364765-TA-T.
Other names: c.885del, p.Asp296fs (NM_000050.4); short protein forms D296fs.
Identifiers: ClinVar variation 5013163 (VCV005013163.1).